The following is an entry in ClinVar:

NM_003476.5(CSRP3):c.64G>T (p.Glu22Ter)

Gene: CSRP3 (cysteine and glycine rich protein 3; minus strand). Cytogenetic location: 11p15.1.
Variant type: single nucleotide variant.
Coding change: c.64G>T on transcript NM_003476.5 (MANE Select); coding-DNA position 64, G replaced by T.
Protein change: p.Glu22Ter; replaces glutamic acid 22 with a stop codon.
Molecular consequence: nonsense.
Genome position (GRCh38, 1-based): chr11:19,192,385, C>A on the plus strand (G>T on the coding strand, the complement: CSRP3 is on the minus strand). VCF-style: chr11-19192385-C-A. GRCh37 (hg19) VCF-style: chr11-19213932-C-A.
Other names: c.64G>T, p.Glu22Ter (NM_001127656.1, NM_001369404.1); short protein forms E22*.
Identifiers: ClinVar variation 1753904 (VCV001753904.2), dbSNP rs1354475812, ClinGen allele CA379888575.

ClinVar aggregate classification (germline): Uncertain significance (1 of 4 stars; one submission).

Conditions:
Cardiovascular phenotype. Identifiers: MedGen CN230736.

Submission:

Ambry Genetics
Classification: Uncertain significance for Cardiovascular phenotype. Last evaluated: 2019-12-06. Review status: criteria provided, single submitter. Criteria: Ambry Variant Classification Scheme 2023. Collection method: clinical testing. Allele origin: germline.
Comment: The p.E22* variant (also known as c.64G>T), located in coding exon 1 of the CSRP3 gene, results from a G to T substitution at nucleotide position 64. This changes the amino acid from a glutamic acid to a stop codon within coding exon 1. This alteration is expected to result in loss of function by premature protein truncation or nonsense-mediated mRNA decay. However, loss of function of CSRP3 has not been clearly established as a mechanism of disease. Since supporting evidence is limited at this time, the clinical significance of this alteration remains unclear.